The following is an entry in ClinVar:

ClinVar aggregate classification (germline): Uncertain significance. Review status: criteria provided, multiple submitters, no conflicts (2 of 4 stars). 2 submissions from 2 submitters: Uncertain significance (2). Last evaluated 2024-07-11.

Conditions:
Fanconi anemia (FA). Also called: Fanconi's anemia. Identifiers: Orphanet 84, MedGen C0015625, MeSH D005199, MONDO:0019391.

Submissions (2):

Blueprint Genetics
Classification: Uncertain significance. Last evaluated: 2024-07-11. Review status: criteria provided, single submitter. Criteria: ACMG Guidelines, 2015. Collection method: clinical testing. Allele origin: germline.

Labcorp Genetics (formerly Invitae), Labcorp
Classification: Uncertain significance for Fanconi anemia. Last evaluated: 2023-06-05. Review status: criteria provided, single submitter. Criteria: Invitae Variant Classification Sherloc (09022015). Collection method: clinical testing. Allele origin: germline.
Comment: This sequence change replaces methionine, which is neutral and non-polar, with threonine, which is neutral and polar, at codon 1871 of the FANCM protein (p.Met1871Thr). This variant is not present in population databases (gnomAD no frequency). This variant has not been reported in the literature in individuals affected with FANCM-related conditions. An algorithm developed to predict the effect of missense changes on protein structure and function (PolyPhen-2) suggests that this variant is likely to be disruptive. In summary, the available evidence is currently insufficient to determine the role of this variant in disease. Therefore, it has been classified as a Variant of Uncertain Significance.

NM_020937.4(FANCM):c.5612T>C (p.Met1871Thr)

Gene: FANCM (FA complementation group M; plus strand). Cytogenetic location: 14q21.2.
Variant type: single nucleotide variant.
Coding change: c.5612T>C on transcript NM_020937.4 (MANE Select); coding-DNA position 5612, T replaced by C.
Protein change: p.Met1871Thr; replaces methionine 1871 with threonine.
Molecular consequence: missense variant.
Genome position (GRCh38, 1-based): chr14:45,196,443, T>C. VCF-style: chr14-45196443-T-C. GRCh37 (hg19) VCF-style: chr14-45665646-T-C.
Other names: c.5534T>C, p.Met1845Thr (NM_001308133.2); short protein forms M1845T, M1871T.
Identifiers: ClinVar variation 2919565 (VCV002919565.4), dbSNP rs2503270824, ClinGen allele CA389586242.